The following is an entry in ClinVar:

NM_005215.4(DCC):c.1855T>C (p.Ser619Pro)

Gene: DCC (DCC netrin 1 receptor; plus strand). Cytogenetic location: 18q21.2.
Variant type: single nucleotide variant.
Coding change: c.1855T>C on transcript NM_005215.4 (MANE Select); coding-DNA position 1855, T replaced by C.
Protein change: p.Ser619Pro; replaces serine 619 with proline.
Molecular consequence: missense variant.
Genome position (GRCh38, 1-based): chr18:53,207,811, T>C. VCF-style: chr18-53207811-T-C. GRCh37 (hg19) VCF-style: chr18-50734181-T-C.
Other names: short protein forms S619P.
Identifiers: ClinVar variation 3897488 (VCV003897488.1).

ClinVar aggregate classification (germline): Uncertain significance (1 of 4 stars; one submission).

Submission:

GeneDx
Classification: Uncertain significance. Last evaluated: 2024-10-31. Review status: criteria provided, single submitter. Criteria: GeneDx Variant Classification Process June 2021. Collection method: clinical testing. Allele origin: germline. Affected: yes.
Comment: Not observed at significant frequency in large population cohorts (gnomAD); In silico analysis supports that this missense variant has a deleterious effect on protein structure/function; Has not been previously published as pathogenic or benign to our knowledge